The following is an entry in ClinVar:

NM_024675.4(PALB2):c.1785T>A (p.Asp595Glu)

Gene: PALB2 (partner and localizer of BRCA2; minus strand). Cytogenetic location: 16p12.2.
Variant type: single nucleotide variant.
Coding change: c.1785T>A on transcript NM_024675.4 (MANE Select); coding-DNA position 1785, T replaced by A.
Protein change: p.Asp595Glu; replaces aspartic acid 595 with glutamic acid.
Molecular consequence: missense variant.
Genome position (GRCh38, 1-based): chr16:23,630,369, A>T on the plus strand (T>A on the coding strand, the complement: PALB2 is on the minus strand). VCF-style: chr16-23630369-A-T. GRCh37 (hg19) VCF-style: chr16-23641690-A-T.
Other names: short protein forms D595E.
Identifiers: ClinVar variation 1494919 (VCV001494919.9), dbSNP rs1555460651, ClinGen allele CA395128114.

ClinVar aggregate classification (germline): Uncertain significance (1 of 4 stars; one submission).

Conditions:
Familial cancer of breast. Also called: BREAST CANCER, FAMILIAL; Hereditary breast cancer; hereditary breast carcinoma. Identifiers: Orphanet 227535, MedGen C0346153, MONDO:0016419, OMIM 114480. Disease mechanism: loss of function.

Submission:

Labcorp Genetics (formerly Invitae), Labcorp
Classification: Uncertain significance for Familial cancer of breast. Last evaluated: 2021-05-09. Review status: criteria provided, single submitter. Criteria: Invitae Variant Classification Sherloc (09022015). Collection method: clinical testing. Allele origin: germline.
Comment: This variant is not present in population databases (ExAC no frequency). This sequence change replaces aspartic acid with glutamic acid at codon 595 of the PALB2 protein (p.Asp595Glu). The aspartic acid residue is weakly conserved and there is a small physicochemical difference between aspartic acid and glutamic acid. This variant has not been reported in the literature in individuals with PALB2-related conditions. In summary, the available evidence is currently insufficient to determine the role of this variant in disease. Therefore, it has been classified as a Variant of Uncertain Significance. Algorithms developed to predict the effect of missense changes on protein structure and function (SIFT, PolyPhen-2, Align-GVGD) all suggest that this variant is likely to be tolerated, but these predictions have not been confirmed by published functional studies and their clinical significance is uncertain.